The following is an entry in ClinVar:

NM_016734.3(PAX5):c.1027G>A (p.Gly343Arg)

Gene: PAX5 (paired box 5; minus strand). Cytogenetic location: 9p13.2.
Variant type: single nucleotide variant.
Coding change: c.1027G>A on transcript NM_016734.3 (MANE Select); coding-DNA position 1027, G replaced by A.
Protein change: p.Gly343Arg; replaces glycine 343 with arginine.
Molecular consequence: missense variant. On other transcripts: synonymous variant (1), non-coding transcript variant (2), intron variant (5).
Genome position (GRCh38, 1-based): chr9:36,846,915, C>T on the plus strand (G>A on the coding strand, the complement: PAX5 is on the minus strand). VCF-style: chr9-36846915-C-T. GRCh37 (hg19) VCF-style: chr9-36846912-C-T.
Other names: c.925G>A, p.Gly309Arg (NM_001280547.2); c.795G>A, p.Pro265= (NM_001280549.2); c.898G>A, p.Gly300Arg (NM_001280554.2); c.727G>A, p.Gly243Arg (NM_001280555.2); c.703G>A, p.Gly235Arg (NM_001280556.2); c.587-6279G>A (NM_001280551.2); c.884-6279G>A (NM_001280553.2); c.781-6279G>A (NM_001280550.2); and 2 more; short protein forms G235R, G243R, G300R, G309R, G343R.
Identifiers: ClinVar variation 1337493 (VCV001337493.7), dbSNP rs139738432, ClinGen allele CA5058065.
Genomic context (GRCh38, chr9:36,846,915, plus strand): 5'-GGTTGGGGAACCTCCAGGAGTCGTTGTACGAGGAATACTGAGGGTGGCTGTAGGGACTCC[C>T]GGAAAACTCACTCCCTGTGTATGGTGGGTGGAGAGAGAAACAGGAACCAAACGTCAAATC-3'
Protein context (NP_057953.1, residues 333-353): TGMVPGSEFS[Gly343Arg]SPYSHPQYSS

ClinVar aggregate classification (germline): Uncertain significance. Review status: criteria provided, multiple submitters, no conflicts (2 of 4 stars). 2 submissions from 2 submitters: Uncertain significance (2). Last evaluated 2026-01-16.

Allele frequency attached by ClinVar (database versions not stated): gnomAD 0.00006 and 0.00007; ESP Exome Variant Server 0.00023; ExAC 0.00005; TOPMed 0.00009; gnomAD exomes 0.00013 and 0.00006.
gnomAD v4.1: 193 of 1,613,172 alleles (0.012%); highest among the groups gnomAD compares: Non-Finnish European, 0.015%; no homozygotes.

Submissions (2):

Labcorp Genetics (formerly Invitae), Labcorp
Classification: Uncertain significance. Last evaluated: 2026-01-16. Review status: criteria provided, single submitter. Criteria: Invitae Variant Classification Sherloc (09022015). Collection method: clinical testing. Allele origin: germline.
Comment: This sequence change replaces glycine, which is neutral and non-polar, with arginine, which is basic and polar, at codon 343 of the PAX5 protein (p.Gly343Arg). This variant is present in population databases (rs139738432, gnomAD 0.01%). This variant has not been reported in the literature in individuals affected with PAX5-related conditions. ClinVar contains an entry for this variant (Variation ID: 1337493). Invitae Evidence Modeling of protein sequence and biophysical properties (such as structural, functional, and spatial information, amino acid conservation, physicochemical variation, residue mobility, and thermodynamic stability) indicates that this missense variant is not expected to disrupt PAX5 protein function with a negative predictive value of 80%. In summary, the available evidence is currently insufficient to determine the role of this variant in disease. Therefore, it has been classified as a Variant of Uncertain Significance.

Genetic Services Laboratory, University of Chicago
Classification: Uncertain significance. Last evaluated: 2020-01-09. Review status: criteria provided, single submitter. Criteria: ACMG Guidelines, 2015. Collection method: clinical testing. Allele origin: germline. Affected: no.
Comment: DNA sequence analysis of the PAX5 gene demonstrated a sequence change, c.1027G>A, in exon 9 that results in an amino acid change, p.Gly343Arg. This sequence change does not appear to have been previously described in patients with PAX5-related disorders and hasbeen described in the gnomAD database with a frequency of 0.01% in European populations (dbSNP rs139738432). The p.Gly343Arg change affects a highly conserved amino acid residue located in a domain of the PAX5 protein that is known to be functional. In-silico pathogenicity prediction tools (SIFT, PolyPhen2, Align GVGD, REVEL) provide contradictory results for the p.Gly343Arg substitution. Due to these contrasting evidences and the lack of functional studies, the clinical significance of the p.Gly343Arg change remains unknown at this time.